The following is an entry in ClinVar:

ClinVar aggregate classification (germline): Uncertain significance (1 of 4 stars; one submission).

Allele frequency attached by ClinVar (database versions not stated): gnomAD exomes below 0.00001.
gnomAD v4.1: 8 of 1,551,684 alleles (0.00052%); highest among the groups gnomAD compares: East Asian, 0.0047%; no homozygotes.

Submission:

GeneDx
Classification: Uncertain significance. Last evaluated: 2023-01-31. Review status: criteria provided, single submitter. Criteria: GeneDx Variant Classification Process June 2021. Collection method: clinical testing. Allele origin: germline. Affected: yes.
Comment: Has not been previously published as pathogenic or benign to our knowledge; Not observed at significant frequency in large population cohorts (gnomAD); In silico analysis supports a deleterious effect on splicing

NM_015214.3(DDHD2):c.221-11A>G

Gene: DDHD2 (DDHD domain containing 2; plus strand). Cytogenetic location: 8p11.23.
Variant type: single nucleotide variant.
Coding change: c.221-11A>G on transcript NM_015214.3 (MANE Select); 11 bases into the intron before coding-DNA position 221, A replaced by G.
Molecular consequence: intron variant.
Genome position (GRCh38, 1-based): chr8:38,234,383, A>G. VCF-style: chr8-38234383-A-G. GRCh37 (hg19) VCF-style: chr8-38091901-A-G.
Other names: c.221-11A>G (NM_001362914.2, NM_001362913.2, NM_001362912.2 and 3 more transcripts).
Identifiers: ClinVar variation 2574560 (VCV002574560.1), dbSNP rs1804535557, ClinGen allele CA1777456533.